The following is an entry in ClinVar:

NM_000256.3(MYBPC3):c.1519G>C (p.Gly507Arg)

Gene: MYBPC3 (myosin binding protein C3; minus strand). Cytogenetic location: 11p11.2.
Variant type: single nucleotide variant.
Coding change: c.1519G>C on transcript NM_000256.3 (MANE Select); coding-DNA position 1519, G replaced by C.
Protein change: p.Gly507Arg; replaces glycine 507 with arginine.
Molecular consequence: missense variant.
Genome position (GRCh38, 1-based): chr11:47,342,683, C>G on the plus strand (G>C on the coding strand, the complement: MYBPC3 is on the minus strand). VCF-style: chr11-47342683-C-G. GRCh37 (hg19) VCF-style: chr11-47364234-C-G.
Other names: short protein forms G507R.
Identifiers: ClinVar variation 2773740 (VCV002773740.3), dbSNP rs35736435, ClinGen allele CA380325191.

ClinVar aggregate classification (germline): Uncertain significance. Review status: criteria provided, multiple submitters, no conflicts (2 of 4 stars). 2 submissions from 2 submitters: Uncertain significance (2). Last evaluated 2025-07-10.

Conditions:
Cardiomyopathy (CMYO). Also called: Cardiomyopathies. Identifiers: Orphanet 167848, MedGen C0878544, MONDO:0004994, HP:0001638. Inheritance: Various modes of inheritance.

gnomAD v4.1: 2 of 1,614,008 alleles (0.00012%); highest among the groups gnomAD compares: Non-Finnish European, 0.00017%; no homozygotes.

Submissions (2):

GeneDx
Classification: Uncertain significance. Last evaluated: 2025-07-10. Review status: criteria provided, single submitter. Criteria: GeneDx Variant Classification Process June 2021. Collection method: clinical testing. Allele origin: germline. Affected: yes.
Comment: Not observed at significant frequency in large population cohorts (gnomAD); In silico analysis supports that this missense variant has a deleterious effect on protein structure/function; Identified in a patient with third degree atrioventricular block (III AVB) and right ventricular apical (RVA) pacing induced heart failure (PMID: 28878402); This variant is associated with the following publications: (PMID: 20128375, 28878402)

Color Diagnostics, LLC DBA Color Health
Classification: Uncertain significance for Cardiomyopathy. Last evaluated: 2023-01-09. Review status: criteria provided, single submitter. Criteria: ACMG Guidelines, 2015. Collection method: clinical testing. Allele origin: germline.
Comment: This missense variant replaces glycine with arginine at codon 507 of the MYBPC3 protein. Computational prediction suggests that this variant may have deleterious impact on protein structure and function (internally defined REVEL score threshold >= 0.7, PMID: 27666373). To our knowledge, functional studies have not been reported for this variant. This variant has not been reported in individuals affected with MYBPC3-related disorders in the literature. This variant has not been identified in the general population by the Genome Aggregation Database (gnomAD). The available evidence is insufficient to determine the role of this variant in disease conclusively. Therefore, this variant is classified as a Variant of Uncertain Significance.